The following is an entry in ClinVar:

NM_001759.4(CCND2):c.455C>A (p.Ala152Glu)

Gene: CCND2 (cyclin D2; plus strand). Cytogenetic location: 12p13.32.
Variant type: single nucleotide variant.
Coding change: c.455C>A on transcript NM_001759.4 (MANE Select); coding-DNA position 455, C replaced by A.
Protein change: p.Ala152Glu; replaces alanine 152 with glutamic acid.
Molecular consequence: missense variant.
Genome position (GRCh38, 1-based): chr12:4,278,803, C>A. VCF-style: chr12-4278803-C-A. GRCh37 (hg19) VCF-style: chr12-4387969-C-A.
Other names: short protein forms A152E.
Identifiers: ClinVar variation 806775 (VCV000806775.52), dbSNP rs199719393, ClinGen allele CA6395241.

ClinVar aggregate classification (germline): Conflicting classifications of pathogenicity. Review status: criteria provided, conflicting classifications (1 of 4 stars). 5 submissions from 5 submitters: Uncertain significance (1); Likely benign (2). 2 of the submissions do not count toward it. Last evaluated 2025-12-08.

Allele frequency attached by ClinVar (database versions not stated): TOPMed 0.00005; ExAC 0.00006; gnomAD 0.00007; gnomAD exomes 0.00007.
gnomAD v4.1: 111 of 1,614,074 alleles (0.0069%); highest among the groups gnomAD compares: Non-Finnish European, 0.0092%; 1 homozygote.

Submissions (5):

Labcorp Genetics (formerly Invitae), Labcorp
Classification: Uncertain significance. Last evaluated: 2025-12-08. Review status: criteria provided, single submitter. Criteria: Invitae Variant Classification Sherloc (09022015). Collection method: clinical testing. Allele origin: germline.
Comment: This sequence change replaces alanine, which is neutral and non-polar, with glutamic acid, which is acidic and polar, at codon 152 of the CCND2 protein (p.Ala152Glu). This variant is present in population databases (rs199719393, gnomAD 0.02%). This variant has not been reported in the literature in individuals affected with CCND2-related conditions. ClinVar contains an entry for this variant (Variation ID: 806775). Invitae Evidence Modeling of protein sequence and biophysical properties (such as structural, functional, and spatial information, amino acid conservation, physicochemical variation, residue mobility, and thermodynamic stability) indicates that this missense variant is not expected to disrupt CCND2 protein function with a negative predictive value of 80%. In summary, the available evidence is currently insufficient to determine the role of this variant in disease. Therefore, it has been classified as a Variant of Uncertain Significance.

CeGaT Center for Human Genetics Tuebingen
Classification: Likely benign. Last evaluated: 2025-01-01. Review status: criteria provided, single submitter. Criteria: CeGaT Center For Human Genetics Tuebingen Variant Classification Criteria Version 2. Collection method: clinical testing. Allele origin: germline. Affected: yes. Observed: 2 variant alleles.
Comment: CCND2: BS1

Blueprint Genetics
Classification: Likely benign. Last evaluated: 2024-08-26. Review status: criteria provided, single submitter. Criteria: ACMG Guidelines, 2015. Collection method: clinical testing. Allele origin: germline.

Clinical Genetics DNA and cytogenetics Diagnostics Lab, Erasmus MC, Erasmus Medical Center
Classification: Uncertain significance. Review status: no assertion criteria provided. Collection method: clinical testing. Allele origin: germline. Affected: yes. Study: VKGL Data-share Consensus. Not counted in ClinVar's aggregate classification.

Diagnostic Laboratory, Department of Genetics, University Medical Center Groningen
Classification: Uncertain significance. Review status: no assertion criteria provided. Collection method: clinical testing. Allele origin: germline. Affected: yes. Study: VKGL Data-share Consensus. Not counted in ClinVar's aggregate classification.